The following is an entry in ClinVar:

ClinVar aggregate classification (germline): Uncertain significance. Review status: criteria provided, multiple submitters, no conflicts (2 of 4 stars). 2 submissions from 2 submitters: Uncertain significance (2). Last evaluated 2025-10-22.

Conditions:
Joubert syndrome 3 (JBTS3). Also called: AHI1-related Ciliopathy. Identifiers: Orphanet 220493, MedGen C1837713, MONDO:0012078, OMIM 608629.
Joubert syndrome. Also called: Familial aplasia of the vermis; JOUBERT-BOLTSHAUSER SYNDROME. Identifiers: Orphanet 475, MedGen C5979921, MONDO:0018772.

Submissions (2):

Myriad Genetics, Inc.
Classification: Uncertain significance for Joubert syndrome 3. Last evaluated: 2025-10-22. Review status: criteria provided, single submitter. Criteria: Myriad Autosomal Dominant, Autosomal Recessive and X-Linked Classification Criteria (2023). Collection method: clinical testing. Allele origin: unknown.
Comment: NM_001134831.1(AHI1):c.99_110del12(K34_L37del) is an in-frame deletion classified as a variant of uncertain significance in the context of Joubert syndrome, AHI1-related. K34_L37del has not been observed in cases with relevant disease. Relevant functional assessments of this variant are not available in the literature. K34_L37del has been observed in referenced population frequency databases. In summary, there is insufficient evidence to classify NM_001134831.1(AHI1):c.99_110del12(K34_L37del) as pathogenic or benign. Please note: this variant was assessed in the context of healthy population screening.

Labcorp Genetics (formerly Invitae), Labcorp
Classification: Uncertain significance for Joubert syndrome. Last evaluated: 2025-08-18. Review status: criteria provided, single submitter. Criteria: Invitae Variant Classification Sherloc (09022015). Collection method: clinical testing. Allele origin: germline.
Comment: This variant, c.99_110del, results in the deletion of 4 amino acid(s) of the AHI1 protein (p.Lys34_Leu37del), but otherwise preserves the integrity of the reading frame. This variant is present in population databases (no rsID available, gnomAD 0.0009%). This variant has not been reported in the literature in individuals affected with AHI1-related conditions. ClinVar contains an entry for this variant (Variation ID: 1016944). Experimental studies and prediction algorithms are not available or were not evaluated, and the functional significance of this variant is currently unknown. In summary, the available evidence is currently insufficient to determine the role of this variant in disease. Therefore, it has been classified as a Variant of Uncertain Significance.

NM_001134831.2(AHI1):c.99_110del (p.30KKKL[1])

Gene: AHI1 (Abelson helper integration site 1; minus strand). Cytogenetic location: 6q23.3.
Variant type: Deletion.
Coding change: c.99_110del on transcript NM_001134831.2 (MANE Select); coding-DNA positions 99 to 110, 12 bases deleted (GAAGAAAAAACT).
Protein change: p.30KKKL[1].
Molecular consequence: inframe deletion.
Genome position (GRCh38, 1-based): chr6:135,490,648-135,490,659, AGTTTTTTCTTC deleted on the plus strand (GAAGAAAAAACT on the coding strand, the reverse complement: AHI1 is on the minus strand); deleting any 12 consecutive bases within chr6:135,490,648-135,490,670 gives the same sequence; the c. name uses the placement nearest the transcript's 3' end. VCF-style (leftmost placement, unchanged base first): chr6-135490647-AAGTTTTTTCTTC-A. GRCh37 (hg19) VCF-style: chr6-135811785-AAGTTTTTTCTTC-A.
Other names: c.99_110del, p.30KKKL[1] (NM_001134830.2, NM_001134832.2, NM_001350503.2 and 2 more transcripts).
Identifiers: ClinVar variation 1016944 (VCV001016944.8), dbSNP rs1192897691, ClinGen allele CA570554342.